The following is an entry in ClinVar:

NC_000015.10:g.84817283C>G

Gene: ALPK3 (alpha kinase 3; plus strand). Cytogenetic location: 15q25.3.
Variant type: single nucleotide variant.
Genome position: GRCh38 VCF-style: chr15-84817283-C-G. GRCh37 (hg19) VCF-style: chr15-85360514-C-G.
Other names: short protein forms P146R.
Identifiers: ClinVar variation 1740139 (VCV001740139.6), dbSNP rs867053742, ClinGen allele CA393368906.

ClinVar aggregate classification (germline): Conflicting classifications of pathogenicity. Review status: criteria provided, conflicting classifications (1 of 4 stars). 3 submissions from 3 submitters: Uncertain significance (2); Likely benign (1). Last evaluated 2026-01-28.

Conditions:
Cardiovascular phenotype. Identifiers: MedGen CN230736.

Allele frequency attached by ClinVar (database versions not stated): TOPMed below 0.00001; gnomAD 0.00001.

Submissions (3):

Labcorp Genetics (formerly Invitae), Labcorp
Classification: Uncertain significance. Last evaluated: 2026-01-28. Review status: criteria provided, single submitter. Criteria: Invitae Variant Classification Sherloc (09022015). Collection method: clinical testing. Allele origin: germline.
Comment: This sequence change replaces proline, which is neutral and non-polar, with arginine, which is basic and polar, at codon 146 of the ALPK3 protein (p.Pro146Arg). This variant is not present in population databases (gnomAD no frequency). This variant has not been reported in the literature in individuals affected with ALPK3-related conditions. ClinVar contains an entry for this variant (Variation ID: 1740139). An algorithm developed to predict the effect of missense changes on protein structure and function (PolyPhen-2) suggests that this variant is likely to be tolerated. In summary, the available evidence is currently insufficient to determine the role of this variant in disease. Therefore, it has been classified as a Variant of Uncertain Significance.

GeneDx
Classification: Likely benign. Last evaluated: 2024-02-04. Review status: criteria provided, single submitter. Criteria: GeneDx Variant Classification Process June 2021. Collection method: clinical testing. Allele origin: germline. Affected: yes.
Comment: See Variant Classification Assertion Criteria.

Ambry Genetics
Classification: Uncertain significance for Cardiovascular phenotype. Last evaluated: 2022-05-02. Review status: criteria provided, single submitter. Criteria: Ambry Variant Classification Scheme 2023. Collection method: clinical testing. Allele origin: germline.
Comment: The p.P146R variant (also known as c.437C>G), located in coding exon 1 of the ALPK3 gene, results from a C to G substitution at nucleotide position 437. The proline at codon 146 is replaced by arginine, an amino acid with dissimilar properties. This amino acid position is conserved. In addition, this alteration is predicted to be tolerated by in silico analysis. Since supporting evidence is limited at this time, the clinical significance of this alteration remains unclear.